The following is an entry in ClinVar:

NM_001035.3(RYR2):c.3683C>A (p.Thr1228Asn)

Gene: RYR2 (ryanodine receptor 2; plus strand). Cytogenetic location: 1q43.
Variant type: single nucleotide variant.
Coding change: c.3683C>A on transcript NM_001035.3 (MANE Select); coding-DNA position 3683, C replaced by A.
Protein change: p.Thr1228Asn; replaces threonine 1228 with asparagine.
Molecular consequence: missense variant.
Genome position (GRCh38, 1-based): chr1:237,589,877, C>A. VCF-style: chr1-237589877-C-A. GRCh37 (hg19) VCF-style: chr1-237753177-C-A.
Other names: short protein forms T1228N.
Identifiers: ClinVar variation 3232394 (VCV003232394.1), dbSNP rs1411285020, ClinGen allele CA345396311.

ClinVar aggregate classification (germline): Uncertain significance (1 of 4 stars; one submission).

Conditions:
Cardiovascular phenotype. Identifiers: MedGen CN230736.

Submission:

Ambry Genetics
Classification: Uncertain significance for Cardiovascular phenotype. Last evaluated: 2023-12-27. Review status: criteria provided, single submitter. Criteria: Ambry Variant Classification Scheme 2023. Collection method: clinical testing. Allele origin: germline.
Comment: The p.T1228N variant (also known as c.3683C>A), located in coding exon 30 of the RYR2 gene, results from a C to A substitution at nucleotide position 3683. The threonine at codon 1228 is replaced by asparagine, an amino acid with similar properties. This alteration has been reported in an atrioventricular nodal reentry tachycardia cohort (Luo R et al. Clin Transl Med, 2020 Jan;10:238-257). This amino acid position is well conserved in available vertebrate species. In addition, the in silico prediction for this alteration is inconclusive. Since supporting evidence is limited at this time, the clinical significance of this alteration remains unclear.

Literature cited by the submitters: PubMed 32508047.